The following is an entry in ClinVar:

ClinVar aggregate classification (germline): Uncertain significance (1 of 4 stars; one submission).

Allele frequency attached by ClinVar (database versions not stated): ExAC 0.00001; gnomAD 0.00001; gnomAD exomes 0.00001.
gnomAD v4.1: 22 of 1,614,088 alleles (0.0014%); highest among the groups gnomAD compares: Middle Eastern, 0.066%; 1 homozygote.

Submission:

Labcorp Genetics (formerly Invitae), Labcorp
Classification: Uncertain significance. Last evaluated: 2025-06-19. Review status: criteria provided, single submitter. Criteria: Invitae Variant Classification Sherloc (09022015). Collection method: clinical testing. Allele origin: germline.
Comment: This sequence change replaces glutamic acid, which is acidic and polar, with glutamine, which is neutral and polar, at codon 981 of the REST protein (p.Glu981Gln). This variant is present in population databases (rs763155357, gnomAD 0.0009%). This variant has not been reported in the literature in individuals affected with REST-related conditions. ClinVar contains an entry for this variant (Variation ID: 853428). An algorithm developed to predict the effect of missense changes on protein structure and function outputs the following: PolyPhen-2: "Benign". The glutamine amino acid residue is found in multiple mammalian species, which suggests that this missense change does not adversely affect protein function. In summary, the available evidence is currently insufficient to determine the role of this variant in disease. Therefore, it has been classified as a Variant of Uncertain Significance.

NM_005612.5(REST):c.2941G>C (p.Glu981Gln)

Gene: REST (RE1 silencing transcription factor; plus strand). Cytogenetic location: 4q12.
Variant type: single nucleotide variant.
Coding change: c.2941G>C on transcript NM_005612.5 (MANE Select); coding-DNA position 2941, G replaced by C.
Protein change: p.Glu981Gln; replaces glutamic acid 981 with glutamine.
Molecular consequence: missense variant.
Genome position (GRCh38, 1-based): chr4:56,931,799, G>C. VCF-style: chr4-56931799-G-C. GRCh37 (hg19) VCF-style: chr4-57797965-G-C.
Other names: c.2941G>C, p.Glu981Gln (NM_001193508.2, NM_001363453.3); short protein forms E981Q.
Identifiers: ClinVar variation 853428 (VCV000853428.9), dbSNP rs763155357, ClinGen allele CA2932586.